The following is an entry in ClinVar:

ClinVar aggregate classification (germline): Conflicting classifications of pathogenicity. Review status: criteria provided, conflicting classifications (1 of 4 stars). 4 submissions from 4 submitters: Uncertain significance (2); Likely benign (1). 1 of the submissions does not count toward it. Last evaluated 2026-01-26.

Conditions:
PKD1L1-related disorder. Also called: PKD1L1-related condition.

Allele frequency attached by ClinVar (database versions not stated): 1000 Genomes Project 0.00040; 1000 Genomes Project 30x 0.00047; TOPMed 0.00082; gnomAD 0.00086; ESP Exome Variant Server 0.00131.
gnomAD v4.1: 259 of 1,614,170 alleles (0.016%); highest among the groups gnomAD compares: African/African-American, 0.25%; no homozygotes.

Submissions (5):

Labcorp Genetics (formerly Invitae), Labcorp
Classification: Likely benign. Last evaluated: 2026-01-26. Review status: criteria provided, single submitter. Criteria: Invitae Variant Classification Sherloc (09022015). Collection method: clinical testing. Allele origin: germline.

GeneDx
Classification: Uncertain significance. Last evaluated: 2026-01-23. Review status: criteria provided, single submitter. Criteria: GeneDx Variant Classification Process June 2021. Collection method: clinical testing. Allele origin: germline.
Comment: In silico analysis suggests that this missense variant does not alter protein structure/function; Has not been previously published as pathogenic or benign to our knowledge

Blueprint Genetics
Classification: Uncertain significance. Last evaluated: 2024-11-14. Review status: criteria provided, single submitter. Criteria: ACMG Guidelines, 2015. Collection method: clinical testing. Allele origin: germline.

PreventionGenetics, part of Exact Sciences
Classification: Likely benign for PKD1L1-related condition. Last evaluated: 2022-02-07. Review status: no assertion criteria provided. Collection method: clinical testing. Allele origin: germline. Not counted in ClinVar's aggregate classification.
Comment: This variant is classified as likely benign based on ACMG/AMP sequence variant interpretation guidelines (Richards et al. 2015 PMID: 25741868, with internal and published modifications).

Dr. Peter K. Rogan Lab, Western University
No classification provided (evidence only). Condition: Familial cancer of breast. Review status: no classification provided. Collection method: in vitro. Allele origin: not applicable. Functional consequence: retained intron. Not counted in ClinVar's aggregate classification.

NM_138295.5(PKD1L1):c.2008G>A (p.Val670Met)

Gene: PKD1L1 (polycystin 1 like 1, transient receptor potential channel interacting; minus strand). Cytogenetic location: 7p12.3.
Variant type: single nucleotide variant.
Coding change: c.2008G>A on transcript NM_138295.5 (MANE Select); coding-DNA position 2008, G replaced by A.
Protein change: p.Val670Met; replaces valine 670 with methionine.
Molecular consequence: missense variant.
Genome position (GRCh38, 1-based): chr7:47,902,435, C>T on the plus strand (G>A on the coding strand, the complement: PKD1L1 is on the minus strand). VCF-style: chr7-47902435-C-T. GRCh37 (hg19) VCF-style: chr7-47942032-C-T.
Other names: c.2008G>A (NM_138295.3); short protein forms V670M.
Identifiers: ClinVar variation 2716277 (VCV002716277.8), dbSNP rs144208756, ClinGen allele CA4253883.